The following is an entry in ClinVar:

ClinVar aggregate classification (germline): Uncertain significance (1 of 4 stars; one submission).

Allele frequency attached by ClinVar (database versions not stated): gnomAD exomes below 0.00001.
gnomAD v4.1: 1 of 1,211,800 alleles (0.000083%); highest among the groups gnomAD compares: Non-Finnish European, 0.00011%; no homozygotes.

Submission:

Labcorp Genetics (formerly Invitae), Labcorp
Classification: Uncertain significance. Last evaluated: 2020-10-01. Review status: criteria provided, single submitter. Criteria: Invitae Variant Classification Sherloc (09022015). Collection method: clinical testing. Allele origin: germline.
Comment: This variant is not present in population databases (ExAC no frequency). This sequence change replaces arginine with threonine at codon 906 of the NEXMIF protein (p.Arg906Thr). The arginine residue is highly conserved and there is a moderate physicochemical difference between arginine and threonine. This variant has not been reported in the literature in individuals with NEXMIF-related conditions. Algorithms developed to predict the effect of missense changes on protein structure and function are either unavailable or do not agree on the potential impact of this missense change (SIFT: "Deleterious"; PolyPhen-2: "Benign"; Align-GVGD: "Class C0"). In summary, the available evidence is currently insufficient to determine the role of this variant in disease. Therefore, it has been classified as a Variant of Uncertain Significance.

NM_001008537.3(NEXMIF):c.2717G>C (p.Arg906Thr)

Gene: NEXMIF (neurite extension and migration factor; minus strand). Cytogenetic location: Xq13.3.
Variant type: single nucleotide variant.
Coding change: c.2717G>C on transcript NM_001008537.3 (MANE Select); coding-DNA position 2717, G replaced by C.
Protein change: p.Arg906Thr; replaces arginine 906 with threonine.
Molecular consequence: missense variant.
Genome position (GRCh38, 1-based): chrX:74,741,840, C>G on the plus strand (G>C on the coding strand, the complement: NEXMIF is on the minus strand). VCF-style: chrX-74741840-C-G. GRCh37 (hg19) VCF-style: chrX-73961675-C-G.
Other names: short protein forms R906T.
Identifiers: ClinVar variation 844523 (VCV000844523.10), dbSNP rs2080105540, ClinGen allele CA413667591.